The following is an entry in ClinVar:

NM_015937.6(PIGT):c.1279C>T (p.Leu427Phe)

Gene: PIGT (phosphatidylinositol glycan anchor biosynthesis class T; plus strand). Cytogenetic location: 20q13.12.
Variant type: single nucleotide variant.
Coding change: c.1279C>T on transcript NM_015937.6 (MANE Select); coding-DNA position 1279, C replaced by T.
Protein change: p.Leu427Phe; replaces leucine 427 with phenylalanine.
Molecular consequence: missense variant. On other transcripts: non-coding transcript variant (5).
Genome position (GRCh38, 1-based): chr20:45,424,260, C>T. VCF-style: chr20-45424260-C-T. GRCh37 (hg19) VCF-style: chr20-44052900-C-T.
Other names: c.1111C>T, p.Leu371Phe (NM_001184728.3); c.1078C>T, p.Leu360Phe (NM_001184729.3); c.973C>T, p.Leu325Phe (NM_001184730.3); short protein forms L427F, L325F, L360F, L371F.
Identifiers: ClinVar variation 1382840 (VCV001382840.4), dbSNP rs778543062, ClinGen allele CA9878214.

ClinVar aggregate classification (germline): Uncertain significance (1 of 4 stars; one submission).

Conditions:
Multiple congenital anomalies-hypotonia-seizures syndrome 3 (MCAHS3). Also called: GLYCOSYLPHOSPHATIDYLINOSITOL BIOSYNTHESIS DEFECT 7. Identifiers: Orphanet 369837, MedGen C3809356, MONDO:0014165, OMIM 615398.

Allele frequency attached by ClinVar (database versions not stated): gnomAD exomes 0.00004; ExAC 0.00005.
gnomAD v4.1: 11 of 1,614,048 alleles (0.00068%); highest among the groups gnomAD compares: Admixed American, 0.018%; no homozygotes.

Submission:

Labcorp Genetics (formerly Invitae), Labcorp
Classification: Uncertain significance for Multiple congenital anomalies-hypotonia-seizures syndrome 3. Last evaluated: 2024-10-15. Review status: criteria provided, single submitter. Criteria: Invitae Variant Classification Sherloc (09022015). Collection method: clinical testing. Allele origin: germline.
Comment: This sequence change replaces leucine, which is neutral and non-polar, with phenylalanine, which is neutral and non-polar, at codon 427 of the PIGT protein (p.Leu427Phe). This variant is present in population databases (rs778543062, gnomAD 0.03%). This variant has not been reported in the literature in individuals affected with PIGT-related conditions. ClinVar contains an entry for this variant (Variation ID: 1382840). Invitae Evidence Modeling of protein sequence and biophysical properties (such as structural, functional, and spatial information, amino acid conservation, physicochemical variation, residue mobility, and thermodynamic stability) indicates that this missense variant is expected to disrupt PIGT protein function with a positive predictive value of 95%. In summary, the available evidence is currently insufficient to determine the role of this variant in disease. Therefore, it has been classified as a Variant of Uncertain Significance.